The following is an entry in ClinVar:

ClinVar aggregate classification (germline): Uncertain significance (1 of 4 stars; one submission).

Conditions:
Cardiomyopathy (CMYO). Also called: Cardiomyopathies. Identifiers: Orphanet 167848, MedGen C0878544, MONDO:0004994, HP:0001638. Inheritance: Various modes of inheritance.

Submission:

Color Diagnostics, LLC DBA Color Health
Classification: Uncertain significance for Cardiomyopathy. Last evaluated: 2024-03-06. Review status: criteria provided, single submitter. Criteria: ACMG Guidelines, 2015. Collection method: clinical testing. Allele origin: germline.
Comment: This missense variant replaces proline with serine at codon 184 of the PRKAG2 protein. Computational prediction suggests that this variant may not impact protein structure and function (internally defined REVEL score threshold <= 0.5, PMID: 27666373). Splice site prediction tools suggest that this variant may not impact RNA splicing. To our knowledge, functional studies have not been performed for this variant. This variant has not been reported in individuals affected with cardiovascular disorders in the literature. This variant has not been identified in the general population by the Genome Aggregation Database (gnomAD). The available evidence is insufficient to determine the role of this variant in disease conclusively. Therefore, this variant is classified as a Variant of Uncertain Significance.

NM_016203.4(PRKAG2):c.550C>T (p.Pro184Ser)

Gene: PRKAG2 (protein kinase AMP-activated non-catalytic subunit gamma 2; minus strand). Cytogenetic location: 7q36.1.
Variant type: single nucleotide variant.
Coding change: c.550C>T on transcript NM_016203.4 (MANE Select); coding-DNA position 550, C replaced by T.
Protein change: p.Pro184Ser; replaces proline 184 with serine.
Molecular consequence: missense variant.
Genome position (GRCh38, 1-based): chr7:151,675,554, G>A on the plus strand (C>T on the coding strand, the complement: PRKAG2 is on the minus strand). VCF-style: chr7-151675554-G-A. GRCh37 (hg19) VCF-style: chr7-151372640-G-A.
Other names: c.418C>T, p.Pro140Ser (NM_001040633.2); c.178C>T, p.Pro60Ser (NM_001304527.2, NM_001363698.2); short protein forms P60S, P184S, P140S.
Identifiers: ClinVar variation 920926 (VCV000920926.4), dbSNP rs545533727, ClinGen allele CA370187899.
Genomic context (GRCh38, chr7:151,675,554, plus strand): 5'-ACCTCTGCCCTGTGTCCGGGGGGGAAGACGAGGCATAGATGCGATTCTCTAACCGTTCAG[G>A]CTCGTGCTTATAGGATTCCAGGGGAAACGTGTGCTGCTTGGTCACTTGGGTGGGTGTTGA-3'
Protein context (NP_057287.2, residues 174-194): TFPLESYKHE[Pro184Ser]ERLENRIYAS